The following is an entry in ClinVar:

NM_015215.4(CAMTA1):c.2363_2401del (p.Ser788_Ser800del)

Gene: CAMTA1 (calmodulin binding transcription activator 1; plus strand). Cytogenetic location: 1p36.23.
Variant type: Deletion.
Coding change: c.2363_2401del on transcript NM_015215.4 (MANE Select); coding-DNA positions 2363 to 2401, 39 bases deleted.
Protein change: p.Ser788_Ser800del.
Molecular consequence: inframe deletion.
Genome position (GRCh38, 1-based): chr1:7,664,910-7,664,948, 39 bases deleted; deleting any 39 consecutive bases within chr1:7,664,905-7,664,948 gives the same sequence; the c. name uses the placement nearest the transcript's 3' end. GRCh37 (hg19): chr1:7,724,970-7,725,008.
Other names: c.2273_2311del, p.Ser758_Ser770del (NM_001349608.2, NM_001349612.2); c.2363_2401del, p.Ser788_Ser800del (NM_001349609.2, NM_001349610.2).
Identifiers: ClinVar variation 1305864 (VCV001305864.2), dbSNP rs2149165391, ClinGen allele CA2573051619.

ClinVar aggregate classification (germline): Uncertain significance (1 of 4 stars; one submission).

Submission:

GeneDx
Classification: Uncertain significance. Last evaluated: 2019-05-15. Review status: criteria provided, single submitter. Criteria: GeneDx Variant Classification Process June 2021. Collection method: clinical testing. Allele origin: germline. Affected: yes.
Comment: Not observed in large population cohorts (Lek et al., 2016); In-frame deletion of 13 amino acids in a non-repeat region; In silico analysis, which includes protein predictors and evolutionary conservation, supports a deleterious effect; Has not been previously published as pathogenic or benign to our knowledge